The following is an entry in ClinVar:

NM_001278.5(CHUK):c.2209-11C>G

Gene: CHUK (component of inhibitor of nuclear factor kappa B kinase complex; minus strand). Cytogenetic location: 10q24.31.
Variant type: single nucleotide variant.
Coding change: c.2209-11C>G on transcript NM_001278.5 (MANE Select); 11 bases into the intron before coding-DNA position 2209, C replaced by G.
Molecular consequence: intron variant.
Genome position (GRCh38, 1-based): chr10:100,189,638, G>C on the plus strand (C>G on the coding strand, the complement: CHUK is on the minus strand). VCF-style: chr10-100189638-G-C. GRCh37 (hg19) VCF-style: chr10-101949395-G-C.
Other names: c.*32-11C>G (NM_001320928.2).
Identifiers: ClinVar variation 2988456 (VCV002988456.3), dbSNP rs968093233, ClinGen allele CA595458913.

ClinVar aggregate classification (germline): Uncertain significance (1 of 4 stars; one submission).

Allele frequency attached by ClinVar (database versions not stated): gnomAD exomes below 0.00001; gnomAD 0.00001.
gnomAD v4.1: 2 of 1,606,324 alleles (0.00012%); highest among the groups gnomAD compares: Middle Eastern, 0.016%; no homozygotes.

Submission:

Labcorp Genetics (formerly Invitae), Labcorp
Classification: Uncertain significance. Last evaluated: 2023-04-02. Review status: criteria provided, single submitter. Criteria: Invitae Variant Classification Sherloc (09022015). Collection method: clinical testing. Allele origin: germline.
Comment: This sequence change falls in intron 20 of the CHUK gene. It does not directly change the encoded amino acid sequence of the CHUK protein. This variant is present in population databases (no rsID available, gnomAD 0.01%). This variant has not been reported in the literature in individuals affected with CHUK-related conditions. Algorithms developed to predict the effect of sequence changes on RNA splicing suggest that this variant may disrupt the consensus splice site. In summary, the available evidence is currently insufficient to determine the role of this variant in disease. Therefore, it has been classified as a Variant of Uncertain Significance.